The following is an entry in ClinVar:

NM_000017.4(ACADS):c.1104C>T (p.Gly368=)

Gene: ACADS (acyl-CoA dehydrogenase short chain; plus strand). Cytogenetic location: 12q24.31.
Variant type: single nucleotide variant.
Coding change: c.1104C>T on transcript NM_000017.4 (MANE Select); coding-DNA position 1104, C replaced by T.
Protein change: p.Gly368=; no amino-acid change (glycine 368 retained).
Molecular consequence: synonymous variant.
Genome position (GRCh38, 1-based): chr12:120,739,313, C>T. VCF-style: chr12-120739313-C-T. GRCh37 (hg19) VCF-style: chr12-121177116-C-T.
Other names: p.Gly368=; c.1092C>T, p.Gly364= (NM_001302554.2).
Identifiers: ClinVar variation 307442 (VCV000307442.17), dbSNP rs200165866, ClinGen allele CA6831222.

ClinVar aggregate classification (germline): Conflicting classifications of pathogenicity. Review status: criteria provided, conflicting classifications (1 of 4 stars). 4 submissions from 4 submitters: Uncertain significance (1); Likely benign (3). Last evaluated 2025-08-08.

Conditions:
Deficiency of butyryl-CoA dehydrogenase (ACADSD). Also called: SCAD DEFICIENCY, MILD; ACYL-CoA DEHYDROGENASE, SHORT-CHAIN, DEFICIENCY OF; SCADH DEFICIENCY; ACADS DEFICIENCY; Short-Chain Acyl-CoA Dehydrogenase Deficiency; SCAD Deficiency. Identifiers: Orphanet 26792, MedGen C0342783, MONDO:0008722, OMIM 201470. Disease mechanism: May be benign.

Allele frequency attached by ClinVar (database versions not stated): TOPMed 0.00002; gnomAD 0.00004 and 0.00011; gnomAD exomes 0.00013 and 0.00022; ExAC 0.00016; 1000 Genomes Project 0.00060; 1000 Genomes Project 30x 0.00062.
gnomAD v4.1: 335 of 1,613,032 alleles (0.021%); highest among the groups gnomAD compares: East Asian, 0.64%; 4 homozygotes.

Submissions (4):

Mayo Clinic Laboratories, Mayo Clinic
Classification: Likely benign. Last evaluated: 2025-08-08. Review status: criteria provided, single submitter. Criteria: ACMG Guidelines, 2015. Collection method: clinical testing. Allele origin: germline. Observed: 1 variant allele.
Comment: BP4, BP7

Labcorp Genetics (formerly Invitae), Labcorp
Classification: Likely benign for Deficiency of butyryl-CoA dehydrogenase. Last evaluated: 2022-09-07. Review status: criteria provided, single submitter. Criteria: Invitae Variant Classification Sherloc (09022015). Collection method: clinical testing. Allele origin: germline.

Genome-Nilou Lab
Classification: Likely benign for Deficiency of butyryl-CoA dehydrogenase. Last evaluated: 2021-11-07. Review status: criteria provided, single submitter. Criteria: ACMG Guidelines, 2015. Collection method: clinical testing. Allele origin: germline. Affected: no.

Illumina Laboratory Services, Illumina
Classification: Uncertain significance for Deficiency of butyryl-CoA dehydrogenase. Last evaluated: 2018-01-12. Review status: criteria provided, single submitter. Criteria: ICSL Variant Classification Criteria 13 December 2019. Collection method: clinical testing. Allele origin: germline.